The following is an entry in ClinVar:

NM_144687.4(NLRP12):c.617G>T (p.Arg206Leu)

Gene: NLRP12 (NLR family pyrin domain containing 12; minus strand). Cytogenetic location: 19q13.42.
Variant type: single nucleotide variant.
Coding change: c.617G>T on transcript NM_144687.4 (MANE Select); coding-DNA position 617, G replaced by T.
Protein change: p.Arg206Leu; replaces arginine 206 with leucine.
Molecular consequence: missense variant.
Genome position (GRCh38, 1-based): chr19:53,811,042, C>A on the plus strand (G>T on the coding strand, the complement: NLRP12 is on the minus strand). VCF-style: chr19-53811042-C-A. GRCh37 (hg19) VCF-style: chr19-54314296-C-A.
Other names: c.617G>T, p.Arg206Leu (NM_001277126.2, NM_001277129.1); short protein forms R206L.
Identifiers: ClinVar variation 2118469 (VCV002118469.4), dbSNP rs139461508, ClinGen allele CA407416279.
Genomic context (GRCh38, chr19:53,811,042, plus strand): 5'-AGCATGGACTTGCCTATCCCTGCCGCGCCTTGCATGACCACGGTGCGCGGTGGCTCGGGG[C>A]GCTCCTCGTCTGGCTCAAAGAGGGTCTCTATCTTGATGGGGCTAGCCTGGTGTCCCACGG-3'
Protein context (NP_653288.1, residues 196-216): IETLFEPDEE[Arg206Leu]PEPPRTVVMQ

ClinVar aggregate classification (germline): Uncertain significance (1 of 4 stars; one submission).

Conditions:
Familial cold autoinflammatory syndrome 2 (FCAS2). Identifiers: Orphanet 247868, MedGen C2673198, MONDO:0012724, OMIM 611762.

gnomAD v4.1: 3 of 1,612,398 alleles (0.00019%); highest among the groups gnomAD compares: African/African-American, 0.0013%; no homozygotes.

Submission:

Labcorp Genetics (formerly Invitae), Labcorp
Classification: Uncertain significance for Familial cold autoinflammatory syndrome 2. Last evaluated: 2022-05-30. Review status: criteria provided, single submitter. Criteria: Invitae Variant Classification Sherloc (09022015). Collection method: clinical testing. Allele origin: germline.
Comment: In summary, the available evidence is currently insufficient to determine the role of this variant in disease. Therefore, it has been classified as a Variant of Uncertain Significance. Algorithms developed to predict the effect of missense changes on protein structure and function (SIFT, PolyPhen-2, Align-GVGD) all suggest that this variant is likely to be disruptive. This variant has not been reported in the literature in individuals affected with NLRP12-related conditions. This variant is present in population databases (no rsID available, gnomAD 0.004%). This sequence change replaces arginine, which is basic and polar, with leucine, which is neutral and non-polar, at codon 206 of the NLRP12 protein (p.Arg206Leu).